The following is an entry in ClinVar:

NM_000548.5(TSC2):c.2628C>T (p.Thr876=)

Gene: TSC2 (TSC complex subunit 2; plus strand). Cytogenetic location: 16p13.3.
Variant type: single nucleotide variant.
Coding change: c.2628C>T on transcript NM_000548.5 (MANE Select); coding-DNA position 2628, C replaced by T.
Protein change: p.Thr876=; no amino-acid change (threonine 876 retained).
Molecular consequence: synonymous variant.
Genome position (GRCh38, 1-based): chr16:2,075,881, C>T. VCF-style: chr16-2075881-C-T. GRCh37 (hg19) VCF-style: chr16-2125882-C-T.
Other names: c.2628C>T, p.Thr876= (NM_001077183.3, NM_001114382.3, NM_001363528.2 and 3 more transcripts); c.2517C>T, p.Thr839= (NM_001318827.2); c.2481C>T, p.Thr827= (NM_001318829.2); c.2028C>T, p.Thr676= (NM_001318831.2); c.2661C>T, p.Thr887= (NM_001318832.2).
Identifiers: ClinVar variation 517799 (VCV000517799.22), dbSNP rs778678783, ClinGen allele CA040391.
Genomic context (GRCh38, chr16:2,075,881, plus strand): 5'-CTACAGGAACTTTGCCGCGGAGCAGTATGCCAGTGTGTTCGCCATCTCCCTGCCGTACAC[C>T]AACCCCTCCAAGTGAGTGGTCGCCCCAGGCCCTGTGCCTCCCAGCCGTGGCCCCCGCTAG-3'
Protein context (NP_000539.2, residues 866-886): ASVFAISLPY[Thr876=]NPSKFNQYIV

ClinVar aggregate classification (germline): Benign/Likely benign. Review status: criteria provided, multiple submitters, no conflicts (2 of 4 stars). 7 submissions from 7 submitters: Benign (3); Likely benign (4). Last evaluated 2026-01-28.

Conditions:
Hereditary cancer-predisposing syndrome. Also called: Neoplastic Syndromes, Hereditary; Tumor predisposition; Hereditary Cancer Syndrome; Hereditary neoplastic syndrome. Identifiers: Orphanet 140162, MedGen C0027672, MeSH D009386, MONDO:0015356.
Tuberous sclerosis syndrome (TSC). Also called: Tuberous Sclerosis Complex; Tuberous sclerosis. Identifiers: Orphanet 805, MedGen C0041341, MONDO:0001734.
Tuberous sclerosis 2 (TSC2). Identifiers: Orphanet 805, MedGen C1860707, MONDO:0013199, OMIM 613254.

Allele frequency attached by ClinVar (database versions not stated): gnomAD 0.00002; gnomAD exomes 0.00002; TOPMed 0.00002; ExAC 0.00004.
gnomAD v4.1: 18 of 1,613,050 alleles (0.0011%); highest among the groups gnomAD compares: African/African-American, 0.004%; no homozygotes.

Submissions (7):

Labcorp Genetics (formerly Invitae), Labcorp
Classification: Benign for Tuberous sclerosis 2. Last evaluated: 2026-01-28. Review status: criteria provided, single submitter. Criteria: Invitae Variant Classification Sherloc (09022015). Collection method: clinical testing. Allele origin: germline.

Myriad Genetics, Inc.
Classification: Benign for Tuberous sclerosis 2. Last evaluated: 2025-05-20. Review status: criteria provided, single submitter. Criteria: Myriad Autosomal Dominant, Autosomal Recessive and X-Linked Classification Criteria (2023). Collection method: clinical testing. Allele origin: unknown.
Comment: This variant is considered benign. This variant is a silent/synonymous amino acid change and it is not expected to impact splicing.

All of Us Research Program, National Institutes of Health
Classification: Likely benign for Tuberous sclerosis syndrome. Last evaluated: 2023-12-13. Review status: criteria provided, single submitter. Criteria: ACMG Guidelines, 2015. Collection method: clinical testing. Allele origin: germline. Inheritance: Autosomal dominant inheritance. Observed: 3 variant alleles, 3 heterozygotes.
Comment: This study involves interpretation of variants in research participants for the purpose of population health screening. Participant phenotype was not available at the time of variant classification. Additional details can be found in publication PMID: 35346344, PMCID: PMC8962531

Genome-Nilou Lab
Classification: Benign for Tuberous sclerosis 2. Last evaluated: 2021-11-07. Review status: criteria provided, single submitter. Criteria: ACMG Guidelines, 2015. Collection method: clinical testing. Allele origin: germline. Affected: no.

Sema4
Classification: Likely benign for Hereditary cancer-predisposing syndrome. Last evaluated: 2021-04-07. Review status: criteria provided, single submitter. Criteria: Sema4 Curation Guidelines. Collection method: curation. Allele origin: germline.

GeneDx
Classification: Likely benign. Last evaluated: 2018-08-16. Review status: criteria provided, single submitter. Criteria: GeneDx Variant Classification Process June 2021. Collection method: clinical testing. Allele origin: germline. Affected: yes.

Ambry Genetics
Classification: Likely benign for Hereditary cancer-predisposing syndrome. Last evaluated: 2018-05-14. Review status: criteria provided, single submitter. Criteria: Ambry Variant Classification Scheme 2023. Collection method: clinical testing. Allele origin: germline.